The following is an entry in ClinVar:

NM_002294.3(LAMP2):c.741G>A (p.Lys247=)

Gene: LAMP2 (lysosome associated membrane protein 2; minus strand). Cytogenetic location: Xq24.
Variant type: single nucleotide variant.
Coding change: c.741G>A on transcript NM_002294.3 (MANE Select); coding-DNA position 741, G replaced by A.
Protein change: p.Lys247=; no amino-acid change (lysine 247 retained).
Molecular consequence: synonymous variant.
Genome position (GRCh38, 1-based): chrX:120,447,841, C>T on the plus strand (G>A on the coding strand, the complement: LAMP2 is on the minus strand). VCF-style: chrX-120447841-C-T. GRCh37 (hg19) VCF-style: chrX-119581696-C-T.
Other names: c.741G>A, p.Lys247= (NM_001122606.1, NM_013995.2).
Identifiers: ClinVar variation 1758833 (VCV001758833.6), dbSNP rs1556101296, ClinGen allele CA518401715.
Genomic context (GRCh38, chrX:120,447,841, plus strand): 5'-ATACGCAATATTTGAAATGAAATGCAAAAAGGATGTATTGATAAAGATAGACACCTATAC[C>T]TTATCCTGAGTGATGTTCAGCTGCAGCCCCATGGTAGCCAGCAGACAAGTATCATTGCCA-3'
Protein context (NP_002285.1, residues 237-257): MGLQLNITQD[Lys247=]VASVININPN

ClinVar aggregate classification (germline): Uncertain significance. Review status: criteria provided, multiple submitters, no conflicts (2 of 4 stars). 2 submissions from 2 submitters: Uncertain significance (2). Last evaluated 2026-08-27.

Conditions:
Danon disease. Also called: ANTOPOL DISEASE; PSEUDOGLYCOGENOSIS II; GSD IIb; LYSOSOMAL GLYCOGEN STORAGE DISEASE WITHOUT ACID MALTASE DEFICIENCY; Glycogen Storage Disease Type IIb. Identifiers: Orphanet 34587, MedGen C0878677, MONDO:0010281, OMIM 300257.
Cardiovascular phenotype. Identifiers: MedGen CN230736.

Submissions (2):

Ambry Genetics
Classification: Uncertain significance for Cardiovascular phenotype. Last evaluated: 2026-08-27. Review status: criteria provided, single submitter. Criteria: Ambry Variant Classification Scheme 2023. Collection method: clinical testing. Allele origin: germline.
Comment: The c.741G>A variant (also known as p.K247K), located in coding exon 5 of the LAMP2 gene, results from a G to A substitution at nucleotide position 741. This nucleotide substitution does not change the lysine at codon 247. However, this change occurs in the last base pair of coding exon 5, which makes it likely to have some effect on normal mRNA splicing. This nucleotide position is highly conserved in available vertebrate species. In silico splice site analysis predicts that this alteration may weaken the native splice donor site and will result in the creation or strengthening of a novel splice donor site. This variant was reported in individual(s) with features consistent with Danon disease (Khedro T et al. Orphanet J Rare Dis, 2025 Oct;20:530). Based on the available evidence, the clinical significance of this variant remains unclear.

Labcorp Genetics (formerly Invitae), Labcorp
Classification: Uncertain significance for Danon disease. Last evaluated: 2023-11-15. Review status: criteria provided, single submitter. Criteria: Invitae Variant Classification Sherloc (09022015). Collection method: clinical testing. Allele origin: germline.
Comment: This sequence change affects codon 247 of the LAMP2 mRNA. It is a 'silent' change, meaning that it does not change the encoded amino acid sequence of the LAMP2 protein. This variant also falls at the last nucleotide of exon 5, which is part of the consensus splice site for this exon. This variant is not present in population databases (gnomAD no frequency). This variant has not been reported in the literature in individuals affected with LAMP2-related conditions. ClinVar contains an entry for this variant (Variation ID: 1758833). Variants that disrupt the consensus splice site are a relatively common cause of aberrant splicing (PMID: 17576681, 9536098). Algorithms developed to predict the effect of sequence changes on RNA splicing suggest that this variant may disrupt the consensus splice site. In summary, the available evidence is currently insufficient to determine the role of this variant in disease. Therefore, it has been classified as a Variant of Uncertain Significance.

Literature cited by the submitters: PubMed 41121270 (cited by Ambry Genetics); PubMed 17576681 (cited by Labcorp Genetics (formerly Invitae), Labcorp); PubMed 9536098 (cited by Labcorp Genetics (formerly Invitae), Labcorp).